The following is an entry in ClinVar:

ClinVar aggregate classification (germline): Uncertain significance (1 of 4 stars; one submission).

Conditions:
Gnathodiaphyseal dysplasia (GDD). Also called: GNATHODIAPHYSEAL SCLEROSIS; OSTEOGENESIS IMPERFECTA WITH UNUSUAL SKELETAL LESIONS. Identifiers: Orphanet 53697, MedGen C1833736, MONDO:0008151, OMIM 166260.
Autosomal recessive limb-girdle muscular dystrophy type 2L (LGMDR12). Also called: Limb-girdle muscular dystrophy, type 2L; MUSCULAR DYSTROPHY, LIMB-GIRDLE, AUTOSOMAL RECESSIVE 12; Limb-Girdle Muscular Dystrophy R12 Anoctamin-5-Related (LGMD-R12). Identifiers: Orphanet 206549, MedGen C1969785, MONDO:0012652, OMIM 611307.

Submission:

Labcorp Genetics (formerly Invitae), Labcorp
Classification: Uncertain significance for Autosomal recessive limb-girdle muscular dystrophy type 2L; Gnathodiaphyseal dysplasia. Last evaluated: 2025-03-17. Review status: criteria provided, single submitter. Criteria: Invitae Variant Classification Sherloc (09022015). Collection method: clinical testing. Allele origin: germline.
Comment: This sequence change replaces methionine, which is neutral and non-polar, with lysine, which is basic and polar, at codon 46 of the ANO5 protein (p.Met46Lys). This variant is not present in population databases (gnomAD no frequency). This variant has not been reported in the literature in individuals affected with ANO5-related conditions. ClinVar contains an entry for this variant (Variation ID: 2110063). Invitae Evidence Modeling of protein sequence and biophysical properties (such as structural, functional, and spatial information, amino acid conservation, physicochemical variation, residue mobility, and thermodynamic stability) indicates that this missense variant is not expected to disrupt ANO5 protein function with a negative predictive value of 80%. In summary, the available evidence is currently insufficient to determine the role of this variant in disease. Therefore, it has been classified as a Variant of Uncertain Significance.

NM_213599.3(ANO5):c.137T>A (p.Met46Lys)

Gene: ANO5 (anoctamin 5; plus strand). Cytogenetic location: 11p14.3.
Variant type: single nucleotide variant.
Coding change: c.137T>A on transcript NM_213599.3 (MANE Select); coding-DNA position 137, T replaced by A.
Protein change: p.Met46Lys; replaces methionine 46 with lysine.
Molecular consequence: missense variant.
Genome position (GRCh38, 1-based): chr11:22,211,313, T>A. VCF-style: chr11-22211313-T-A. GRCh37 (hg19) VCF-style: chr11-22232859-T-A.
Other names: c.134T>A, p.Met45Lys (NM_001142649.2, NM_001410964.1); c.137T>A, p.Met46Lys (NM_001410963.1); short protein forms M45K, M46K.
Identifiers: ClinVar variation 2110063 (VCV002110063.4), dbSNP rs763119837, ClinGen allele CA379924443.